The following is an entry in ClinVar:

NM_000642.3(AGL):c.923A>G (p.Lys308Arg)

Gene: AGL (amylo-alpha-1,6-glucosidase and 4-alpha-glucanotransferase; plus strand). Cytogenetic location: 1p21.2.
Variant type: single nucleotide variant.
Coding change: c.923A>G on transcript NM_000642.3 (MANE Select); coding-DNA position 923, A replaced by G.
Protein change: p.Lys308Arg; replaces lysine 308 with arginine.
Molecular consequence: missense variant.
Genome position (GRCh38, 1-based): chr1:99,870,834, A>G. VCF-style: chr1-99870834-A-G. GRCh37 (hg19) VCF-style: chr1-100336390-A-G.
Other names: c.923A>G, p.Lys308Arg (NM_001425327.1, NM_000028.3, NM_000643.3 and 3 more transcripts); c.719A>G, p.Lys240Arg (NM_001425328.1, NM_001425329.1); c.545A>G, p.Lys182Arg (NM_001425332.1); c.875A>G, p.Lys292Arg (NM_000646.3); short protein forms K308R, K292R, K182R, K240R.
Identifiers: ClinVar variation 1949233 (VCV001949233.5), dbSNP rs1321766083, ClinGen allele CA341341792.

ClinVar aggregate classification (germline): Uncertain significance (1 of 4 stars; one submission).

Conditions:
Glycogen storage disease type III (GSD3). Also called: FORBES DISEASE; Cori disease. Identifiers: Orphanet 366, MedGen C0017922, MONDO:0009291, OMIM 232400.

Allele frequency attached by ClinVar (database versions not stated): gnomAD exomes below 0.00001; TOPMed below 0.00001.
gnomAD v4.1: 1 of 1,610,164 alleles (0.000062%); highest among the groups gnomAD compares: Admixed American, 0.0017%; no homozygotes.

Submission:

Labcorp Genetics (formerly Invitae), Labcorp
Classification: Uncertain significance for Glycogen storage disease type III. Last evaluated: 2024-09-15. Review status: criteria provided, single submitter. Criteria: Invitae Variant Classification Sherloc (09022015). Collection method: clinical testing. Allele origin: germline.
Comment: This sequence change replaces lysine, which is basic and polar, with arginine, which is basic and polar, at codon 308 of the AGL protein (p.Lys308Arg). The frequency data for this variant in the population databases is considered unreliable, as metrics indicate poor data quality at this position in the gnomAD database. This variant has not been reported in the literature in individuals affected with AGL-related conditions. ClinVar contains an entry for this variant (Variation ID: 1949233). Invitae Evidence Modeling of protein sequence and biophysical properties (such as structural, functional, and spatial information, amino acid conservation, physicochemical variation, residue mobility, and thermodynamic stability) indicates that this missense variant is not expected to disrupt AGL protein function with a negative predictive value of 80%. In summary, the available evidence is currently insufficient to determine the role of this variant in disease. Therefore, it has been classified as a Variant of Uncertain Significance.